The following is an entry in ClinVar:

ClinVar aggregate classification (germline): Uncertain significance (1 of 4 stars; one submission).

Conditions:
Hypothyroidism, congenital, nongoitrous, 8. Identifiers: MedGen C5231395, MONDO:0026731, OMIM 301033.

Submission:

Genetics and Molecular Pathology, SA Pathology
Classification: Uncertain significance for Hypothyroidism, congenital, nongoitrous, 8. Last evaluated: 2022-07-05. Review status: criteria provided, single submitter. Criteria: ACMG Guidelines, 2015. Collection method: clinical testing. Allele origin: germline. Inheritance: X-linked recessive inheritance. Affected: yes.
Comment: The TBL1X c.1369A>T variant is classified as VUS (PM1, PM2, PP3)

NM_005647.4(TBL1X):c.1369A>T (p.Ile457Phe)

Gene: TBL1X (transducin beta like 1 X-linked; plus strand). Cytogenetic location: Xp22.2.
Variant type: single nucleotide variant.
Coding change: c.1369A>T on transcript NM_005647.4 (MANE Select); coding-DNA position 1369, A replaced by T.
Protein change: p.Ile457Phe; replaces isoleucine 457 with phenylalanine.
Molecular consequence: missense variant.
Genome position (GRCh38, 1-based): chrX:9,709,690, A>T. VCF-style: chrX-9709690-A-T. GRCh37 (hg19) VCF-style: chrX-9677730-A-T.
Other names: c.1369A>T, p.Ile457Phe (NM_001139466.1); c.1216A>T, p.Ile406Phe (NM_001139467.1, NM_001139468.1); short protein forms I406F, I457F.
Identifiers: ClinVar variation 1803274 (VCV001803274.1), dbSNP rs2518598885, ClinGen allele CA411986378.
Genomic context (GRCh38, chrX:9,709,690, plus strand): 5'-TAGATCTGGAGCATGAAACAGGAGGTGTGCATCCATGATCTTCAGGCTCACAATAAAGAG[A>T]TCTACACCATCAAGTGGAGCCCCACTGGGCCCGCCACCAGCAACCCAAACTCCAACATCA-3'
Protein context (NP_005638.1, residues 447-467): IHDLQAHNKE[Ile457Phe]YTIKWSPTGP